The following is an entry in ClinVar:

NM_006944.3(SPP2):c.500-6T>C

Gene: SPP2 (secreted phosphoprotein 2; plus strand). Cytogenetic location: 2q37.1.
Variant type: single nucleotide variant.
Coding change: c.500-6T>C on transcript NM_006944.3 (MANE Select); 6 bases into the intron before coding-DNA position 500, T replaced by C.
Molecular consequence: intron variant.
Genome position (GRCh38, 1-based): chr2:234,067,218, T>C. VCF-style: chr2-234067218-T-C. GRCh37 (hg19) VCF-style: chr2-234975862-T-C.
Identifiers: ClinVar variation 1494925 (VCV001494925.8), dbSNP rs1216453809, ClinGen allele CA540341146.

ClinVar aggregate classification (germline): Uncertain significance (1 of 4 stars; one submission).

Allele frequency attached by ClinVar (database versions not stated): gnomAD exomes below 0.00001 and 0.00001; TOPMed below 0.00001; gnomAD 0.00001.
gnomAD v4.1: 4 of 1,613,066 alleles (0.00025%); highest among the groups gnomAD compares: Admixed American, 0.0017%; no homozygotes.

Submission:

Labcorp Genetics (formerly Invitae), Labcorp
Classification: Uncertain significance. Last evaluated: 2023-10-13. Review status: criteria provided, single submitter. Criteria: Invitae Variant Classification Sherloc (09022015). Collection method: clinical testing. Allele origin: germline.
Comment: This sequence change falls in intron 5 of the SPP2 gene. It does not directly change the encoded amino acid sequence of the SPP2 protein. This variant is present in population databases (no rsID available, gnomAD 0.006%). This variant has not been reported in the literature in individuals affected with SPP2-related conditions. ClinVar contains an entry for this variant (Variation ID: 1494925). Algorithms developed to predict the effect of sequence changes on RNA splicing suggest that this variant may disrupt the consensus splice site. In summary, the available evidence is currently insufficient to determine the role of this variant in disease. Therefore, it has been classified as a Variant of Uncertain Significance.